The following is an entry in ClinVar:

NM_024757.5(EHMT1):c.239A>T (p.Asn80Ile)

Gene: EHMT1 (euchromatic histone lysine methyltransferase 1; plus strand). Cytogenetic location: 9q34.3.
Variant type: single nucleotide variant.
Coding change: c.239A>T on transcript NM_024757.5 (MANE Select); coding-DNA position 239, A replaced by T.
Protein change: p.Asn80Ile; replaces asparagine 80 with isoleucine.
Molecular consequence: missense variant.
Genome position (GRCh38, 1-based): chr9:137,716,779, A>T. VCF-style: chr9-137716779-A-T. GRCh37 (hg19) VCF-style: chr9-140611231-A-T.
Other names: c.239A>T, p.Asn80Ile (NM_001145527.2, NM_001354263.2, NM_001354611.2); c.146A>T, p.Asn49Ile (NM_001354259.2, NM_001354612.2); short protein forms N80I, N49I.
Identifiers: ClinVar variation 588699 (VCV000588699.7), dbSNP rs754504122, ClinGen allele CA5374237.

ClinVar aggregate classification (germline): Uncertain significance. Review status: criteria provided, multiple submitters, no conflicts (2 of 4 stars). 3 submissions from 3 submitters: Uncertain significance (3). Last evaluated 2022-08-17.

Conditions:
Inborn genetic diseases. Identifiers: MedGen C0950123, MeSH D030342.
Kleefstra syndrome 1 (KLEFS1). Identifiers: Orphanet 261494, MedGen C0795833, MONDO:0027407, OMIM 610253.

gnomAD v4.1: 13 of 1,613,144 alleles (0.00081%); highest among the groups gnomAD compares: South Asian, 0.0011%; no homozygotes.

Submissions (3):

GeneDx
Classification: Uncertain significance. Last evaluated: 2022-08-17. Review status: criteria provided, single submitter. Criteria: GeneDx Variant Classification Process June 2021. Collection method: clinical testing. Allele origin: germline. Affected: yes.
Comment: Not observed at significant frequency in large population cohorts (gnomAD); In silico analysis supports that this missense variant does not alter protein structure/function; Has not been previously published as pathogenic or benign to our knowledge

Department of Pathology and Laboratory Medicine, Sinai Health System
Classification: Uncertain significance for Kleefstra syndrome 1. Last evaluated: 2021-07-30. Review status: criteria provided, single submitter. Criteria: ACMG Guidelines, 2015. Collection method: research. Allele origin: germline.

Ambry Genetics
Classification: Uncertain significance for Inborn genetic diseases. Last evaluated: 2017-01-19. Review status: criteria provided, single submitter. Criteria: Ambry Variant Classification Scheme 2023. Collection method: clinical testing. Allele origin: germline.
Comment: The p.N80I variant (also known as c.239A>T), located in coding exon 3 of the EHMT1 gene, results from an A to T substitution at nucleotide position 239. The asparagine at codon 80 is replaced by isoleucine, an amino acid with dissimilar properties. This amino acid position is not well conserved in available vertebrate species. In addition, this alteration is predicted to be tolerated by in silico analysis. Since supporting evidence is limited at this time, the clinical significance of this alteration remains unclear.